The following is an entry in ClinVar:

NM_015102.5(NPHP4):c.1585G>A (p.Gly529Ser)

Gene: NPHP4 (nephrocystin 4; minus strand). Cytogenetic location: 1p36.31.
Variant type: single nucleotide variant.
Coding change: c.1585G>A on transcript NM_015102.5 (MANE Select); coding-DNA position 1585, G replaced by A.
Protein change: p.Gly529Ser; replaces glycine 529 with serine.
Molecular consequence: missense variant. On other transcripts: non-coding transcript variant (1), intron variant (2).
Genome position (GRCh38, 1-based): chr1:5,907,141, C>T on the plus strand (G>A on the coding strand, the complement: NPHP4 is on the minus strand). VCF-style: chr1-5907141-C-T. GRCh37 (hg19) VCF-style: chr1-5967201-C-T.
Other names: c.76-1358G>A (NM_001291594.2); c.76-1361G>A (NM_001291593.2); short protein forms G529S.
Identifiers: ClinVar variation 598518 (VCV000598518.14), dbSNP rs750626428, ClinGen allele CA554439.

ClinVar aggregate classification (germline): Uncertain significance. Review status: criteria provided, multiple submitters, no conflicts (2 of 4 stars). 4 submissions from 4 submitters: Uncertain significance (4). Last evaluated 2024-05-06.

Conditions:
Nephronophthisis. Also called: Juvenile Nephronophthisis. Identifiers: Orphanet 655, MedGen C0687120, MONDO:0019005, HP:0000090.
Kidney disorder. Also called: renal disease; Nephropathy; Kidney Diseases; renal disorder; Kidney disease. Identifiers: MedGen C0022658, MONDO:0005240, HP:0000112.
Nephronophthisis 4 (NPHP4). Also called: NEPHRONOPHTHISIS 4, JUVENILE. Identifiers: Orphanet 655, MedGen C1847013, MONDO:0011752, OMIM 606966.
Senior-Loken syndrome 4 (SLSN4). Identifiers: Orphanet 3156, MedGen C1846979, MONDO:0011756, OMIM 606996.

Allele frequency attached by ClinVar (database versions not stated): gnomAD 0.00002; gnomAD exomes 0.00002; TOPMed 0.00002; ExAC 0.00009.

Submissions (4):

Fulgent Genetics
Classification: Uncertain significance for Nephronophthisis 4; Senior-Loken syndrome 4. Last evaluated: 2024-05-06. Review status: criteria provided, single submitter. Criteria: ACMG Guidelines, 2015. Collection method: clinical testing. Allele origin: germline.

Labcorp Genetics (formerly Invitae), Labcorp
Classification: Uncertain significance for Nephronophthisis. Last evaluated: 2022-07-20. Review status: criteria provided, single submitter. Criteria: Invitae Variant Classification Sherloc (09022015). Collection method: clinical testing. Allele origin: germline.
Comment: This variant has not been reported in the literature in individuals affected with NPHP4-related conditions. In summary, the available evidence is currently insufficient to determine the role of this variant in disease. Therefore, it has been classified as a Variant of Uncertain Significance. Algorithms developed to predict the effect of sequence changes on RNA splicing suggest that this variant may create or strengthen a splice site. Algorithms developed to predict the effect of missense changes on protein structure and function output the following: SIFT: "Tolerated"; PolyPhen-2: "Benign"; Align-GVGD: "Class C0". The serine amino acid residue is found in multiple mammalian species, which suggests that this missense change does not adversely affect protein function. ClinVar contains an entry for this variant (Variation ID: 598518). This variant is present in population databases (rs750626428, gnomAD 0.005%). This sequence change replaces glycine, which is neutral and non-polar, with serine, which is neutral and polar, at codon 529 of the NPHP4 protein (p.Gly529Ser).

Eurofins Ntd Llc (ga)
Classification: Uncertain significance. Last evaluated: 2018-08-23. Review status: criteria provided, single submitter. Criteria: EGL ClinVar v180209 classification definitions. Collection method: clinical testing. Allele origin: germline. Observed: 1 variant allele, 1 heterozygote.

Genome Diagnostics Laboratory, The Hospital for Sick Children
Classification: Uncertain significance for Kidney disorder. Last evaluated: 2016-12-12. Review status: criteria provided, single submitter. Criteria: ACMG Guidelines, 2015. Collection method: clinical testing. Allele origin: germline.